The following is an entry in ClinVar:

NM_020911.2(PLXNA4):c.1371+4457T>G

Gene: PLXNA4 (plexin A4; minus strand). Cytogenetic location: 7q32.3.
Variant type: single nucleotide variant.
Coding change: c.1371+4457T>G on transcript NM_020911.2 (MANE Select); 4457 bases into the intron after coding-DNA position 1371, T replaced by G.
Molecular consequence: intron variant. On other transcripts: missense variant (1).
Genome position (GRCh38, 1-based): chr7:132,484,835, A>C on the plus strand (T>G on the coding strand, the complement: PLXNA4 is on the minus strand). VCF-style: chr7-132484835-A-C. GRCh37 (hg19) VCF-style: chr7-132169594-A-C.
Other names: c.1550T>G, p.Val517Gly (NM_181775.4); c.1371+4457T>G (NM_001393897.1, NM_001105543.2); short protein forms V517G.
Identifiers: ClinVar variation 5002359 (VCV005002359.1).

ClinVar aggregate classification (germline): Uncertain significance (1 of 4 stars; one submission).

Conditions:
PLXNA4-related disorder. Also called: PLXNA4-related condition.

Submission:

PreventionGenetics, part of Exact Sciences
Classification: Uncertain significance for PLXNA4-related condition. Last evaluated: 2024-10-28. Review status: criteria provided, single submitter. Criteria: ACMG Guidelines, 2015. Collection method: clinical testing. Allele origin: germline.
Comment: The PLXNA4 c.1550T>G variant is predicted to result in the amino acid substitution p.Val517Gly. To our knowledge, this variant has not been reported in the literature or in a large population database (gnomAD), indicating this variant is rare. At this time, the clinical significance of this variant is uncertain due to the absence of conclusive functional and genetic evidence.